The following is an entry in ClinVar:

NM_001355436.2(SPTB):c.4071del (p.His1358fs)

Gene: SPTB (spectrin beta, erythrocytic; minus strand). Cytogenetic location: 14q23.3.
Variant type: Deletion.
Coding change: c.4071del on transcript NM_001355436.2 (MANE Select); coding-DNA position 4071, one base deleted (G; older notation c.4071delG).
Protein change: p.His1358fs; shifts the reading frame from histidine 1358.
Molecular consequence: frameshift variant.
Genome position (GRCh38, 1-based): chr14:64,782,485, C deleted on the plus strand (G on the coding strand, the reverse complement: SPTB is on the minus strand). VCF-style (leftmost placement, unchanged base first): chr14-64782484-GC-G. GRCh37 (hg19) VCF-style: chr14-65249202-GC-G.
Other names: p.His1358Thrfs*54; c.4071del, p.His1358fs (NM_001024858.4, NM_001355437.2); short protein forms H1358fs.
Identifiers: ClinVar variation 3381113 (VCV003381113.1).

ClinVar aggregate classification (germline): Likely pathogenic (1 of 4 stars; one submission).

Submission:

Mayo Clinic Laboratories, Mayo Clinic
Classification: Likely pathogenic. Last evaluated: 2023-05-17. Review status: criteria provided, single submitter. Criteria: ACMG Guidelines, 2015. Collection method: clinical testing. Allele origin: germline. Observed: 1 variant allele.
Comment: PM2_moderate, PVS1